The following is an entry in ClinVar:

NM_024678.6(NARS2):c.-22G>A

Gene: NARS2 (asparaginyl-tRNA synthetase 2, mitochondrial; minus strand). Cytogenetic location: 11q14.1.
Variant type: single nucleotide variant.
Coding change: c.-22G>A on transcript NM_024678.6 (MANE Select); 22 bases upstream of the start codon, G replaced by A.
Molecular consequence: 5 prime UTR variant. On other transcripts: intron variant (1).
Genome position (GRCh38, 1-based): chr11:78,574,510, C>T on the plus strand (G>A on the coding strand, the complement: NARS2 is on the minus strand). VCF-style: chr11-78574510-C-T. GRCh37 (hg19) VCF-style: chr11-78285555-C-T.
Other names: c.-541+319G>A (NM_001243251.2).
Identifiers: ClinVar variation 386285 (VCV000386285.1), dbSNP rs377164130, ClinGen allele CA6206016.
Genomic context (GRCh38, chr11:78,574,510, plus strand): 5'-GAAGCGCACGGACCGCAGCAGGCAGCGGACCCCCAGCATCCCGCGTCCGCCCAGGCCCTC[C>T]GCGGGAGCAGCCCAGACCCCACGGTTCGAACCCCGCCTGCAGCGGCCCTCCTTTCTCAGC-3'

ClinVar aggregate classification (germline): Likely benign (1 of 4 stars; one submission).

Allele frequency attached by ClinVar (database versions not stated): 1000 Genomes Project 0.00020; 1000 Genomes Project 30x 0.00031; gnomAD exomes 0.00040 and 0.00079; TOPMed 0.00042; ESP Exome Variant Server 0.00046; gnomAD 0.00046; ExAC 0.00063.
gnomAD v4.1: 1,176 of 1,593,564 alleles (0.074%); highest among the groups gnomAD compares: Non-Finnish European, 0.093%; 1 homozygote.

Submission:

GeneDx
Classification: Likely benign. Last evaluated: 2017-03-08. Review status: criteria provided, single submitter. Criteria: GeneDx Variant Classification (06012015). Collection method: clinical testing. Allele origin: germline. Affected: yes.
Comment: This variant is considered likely benign or benign based on one or more of the following criteria: it is a conservative change, it occurs at a poorly conserved position in the protein, it is predicted to be benign by multiple in silico algorithms, and/or has population frequency not consistent with disease.